The following is an entry in ClinVar:

NM_020975.6(RET):c.1598G>C (p.Gly533Ala)

Gene: RET (ret proto-oncogene; plus strand). Cytogenetic location: 10q11.21.
Variant type: single nucleotide variant.
Coding change: c.1598G>C on transcript NM_020975.6 (MANE Select); coding-DNA position 1598, G replaced by C.
Protein change: p.Gly533Ala; replaces glycine 533 with alanine.
Molecular consequence: missense variant.
Genome position (GRCh38, 1-based): chr10:43,112,174, G>C. VCF-style: chr10-43112174-G-C. GRCh37 (hg19) VCF-style: chr10-43607622-G-C.
Other names: c.1469G>C, p.Gly490Ala (NM_001406762.1, NM_001406764.1, NM_001406761.1 and 1 more transcripts); c.1598G>C, p.Gly533Ala (NM_001406763.1, NM_001406765.1, NM_001406744.1 and 4 more transcripts); c.1310G>C, p.Gly437Ala (NM_001406766.1, NM_001406767.1, NM_001406770.1); c.872G>C, p.Gly291Ala (NM_001406777.1, NM_001406778.1, NM_001406775.1 and 1 more transcripts); c.701G>C, p.Gly234Ala (NM_001406779.1, NM_001406780.1, NM_001406781.1 and 3 more transcripts); c.572G>C, p.Gly191Ala (NM_001406783.1, NM_001406786.1); c.608G>C, p.Gly203Ala (NM_001406784.1); c.1202G>C, p.Gly401Ala (NM_001406769.1, NM_001406772.1); and 5 more; short protein forms G234A, G50A, G191A, G279A, G358A, G533A, G291A, G437A.
Identifiers: ClinVar variation 3644736 (VCV003644736.15).

ClinVar aggregate classification (germline): Uncertain significance. Review status: criteria provided, multiple submitters, no conflicts (2 of 4 stars). 2 submissions from 2 submitters: Uncertain significance (2). Last evaluated 2024-12-01.

Conditions:
Multiple endocrine neoplasia, type 2 (MEN2). Identifiers: Orphanet 653, MedGen C4048306, MONDO:0019003. Disease mechanism: gain of function.

Submissions (2):

CeGaT Center for Human Genetics Tuebingen
Classification: Uncertain significance. Last evaluated: 2024-12-01. Review status: criteria provided, single submitter. Criteria: CeGaT Center For Human Genetics Tuebingen Variant Classification Criteria Version 2. Collection method: clinical testing. Allele origin: germline. Affected: yes. Observed: 1 variant allele.
Comment: RET: PM2, PM5, PM1:Supporting

Labcorp Genetics (formerly Invitae), Labcorp
Classification: Uncertain significance for Multiple endocrine neoplasia, type 2. Last evaluated: 2024-03-06. Review status: criteria provided, single submitter. Criteria: Invitae Variant Classification Sherloc (09022015). Collection method: clinical testing. Allele origin: germline.
Comment: This sequence change replaces glycine, which is neutral and non-polar, with alanine, which is neutral and non-polar, at codon 533 of the RET protein (p.Gly533Ala). This variant is not present in population databases (gnomAD no frequency). This variant has not been reported in the literature in individuals affected with RET-related conditions. An algorithm developed to predict the effect of missense changes on protein structure and function (PolyPhen-2) suggests that this variant is likely to be disruptive. This variant disrupts the p.Gly533 amino acid residue in RET. Other variant(s) that disrupt this residue have been determined to be pathogenic (PMID: 14602786, 16649977, 18805915, 22676047, 23461807). This suggests that this residue is clinically significant, and that variants that disrupt this residue are likely to be disease-causing. In summary, the available evidence is currently insufficient to determine the role of this variant in disease. Therefore, it has been classified as a Variant of Uncertain Significance.

Literature cited by the submitters: PubMed 14602786 (cited by Labcorp Genetics (formerly Invitae), Labcorp); PubMed 16649977 (cited by Labcorp Genetics (formerly Invitae), Labcorp); PubMed 18805915 (cited by Labcorp Genetics (formerly Invitae), Labcorp); PubMed 22676047 (cited by Labcorp Genetics (formerly Invitae), Labcorp); PubMed 23461807 (cited by Labcorp Genetics (formerly Invitae), Labcorp).